The following is an entry in ClinVar:

ClinVar aggregate classification (germline): Conflicting classifications of pathogenicity. Review status: criteria provided, conflicting classifications (1 of 4 stars). 3 submissions from 3 submitters: Uncertain significance (2); Likely benign (1). Last evaluated 2025-12-10.

Conditions:
Hereditary cancer-predisposing syndrome. Also called: Tumor predisposition; Hereditary Cancer Syndrome; Neoplastic Syndromes, Hereditary; Hereditary neoplastic syndrome. Identifiers: Orphanet 140162, MedGen C0027672, MeSH D009386, MONDO:0015356.
Gorlin syndrome. Also called: Basal cell nevus syndrome; Nevoid Basal Cell Carcinoma Syndrome. Identifiers: Orphanet 377, MedGen C0004779, MONDO:0007187.

Allele frequency attached by ClinVar (database versions not stated): gnomAD exomes below 0.00001 and 0.00001; gnomAD 0.00001; TOPMed 0.00001.
gnomAD v4.1: 12 of 1,612,006 alleles (0.00074%); highest among the groups gnomAD compares: Non-Finnish European, 0.001%; no homozygotes.

Submissions (3):

Ambry Genetics
Classification: Uncertain significance for Hereditary cancer-predisposing syndrome. Last evaluated: 2025-12-10. Review status: criteria provided, single submitter. Criteria: Ambry Variant Classification Scheme 2023. Collection method: clinical testing. Allele origin: germline.
Comment: The p.L50P variant (also known as c.149T>C), located in coding exon 1 of the PTCH1 gene, results from a T to C substitution at nucleotide position 149. The leucine at codon 50 is replaced by proline, an amino acid with similar properties. This amino acid position is highly conserved in available vertebrate species. In addition, this alteration is predicted to be deleterious by in silico analysis. Since supporting evidence is limited at this time, the clinical significance of this alteration remains unclear.

Labcorp Genetics (formerly Invitae), Labcorp
Classification: Likely benign for Gorlin syndrome. Last evaluated: 2025-07-30. Review status: criteria provided, single submitter. Criteria: Invitae Variant Classification Sherloc (09022015). Collection method: clinical testing. Allele origin: germline.

Center for Genomic Medicine, Rigshospitalet, Copenhagen University Hospital
Classification: Uncertain significance. Last evaluated: 2025-03-04. Review status: criteria provided, single submitter. Criteria: ACMG Guidelines, 2015. Collection method: clinical testing. Allele origin: germline.

NM_000264.5(PTCH1):c.149T>C (p.Leu50Pro)

Genes: PTCH1 (patched 1; minus strand), LOC130002133 (ATAC-STARR-seq lymphoblastoid silent region 20071; plus strand). Cytogenetic location: 9q22.32.
Variant type: single nucleotide variant.
Coding change: c.149T>C on transcript NM_000264.5 (MANE Select); coding-DNA position 149, T replaced by C.
Protein change: p.Leu50Pro; replaces leucine 50 with proline.
Molecular consequence: missense variant. On other transcripts: non-coding transcript variant (1), intron variant (3).
Genome position (GRCh38, 1-based): chr9:95,508,213, A>G on the plus strand (T>C on the coding strand, the complement: PTCH1 is on the minus strand). VCF-style: chr9-95508213-A-G. GRCh37 (hg19) VCF-style: chr9-98270495-A-G.
Other names: c.149T>C, p.Leu50Pro (NM_001354918.2); c.199-1614T>C (NM_001083603.3); c.4-1614T>C (NM_001083602.3, NM_001354919.2); short protein forms L50P.
Identifiers: ClinVar variation 453791 (VCV000453791.17), dbSNP rs1019888019, ClinGen allele CA196555434.
Genomic context (GRCh38, chr9:95,508,213, plus strand): 5'-AAATGCACCTTGGAAATCTGCTCCAGAGCGAAGGCGGCGTCGCAGTAGCTGGGCCGGTGC[A>G]GATAGTCCCGGTCCGGCGCGGCAGCACGGCGCAGCCCCCCCGTCCGTCTGCGCCTCCCGC-3'
Protein context (NP_000255.2, residues 40-60): RRAAAPDRDY[Leu50Pro]HRPSYCDAAF